The following is an entry in ClinVar:

ClinVar aggregate classification (germline): Uncertain significance (1 of 4 stars; one submission).

Allele frequency attached by ClinVar (database versions not stated): TOPMed 0.00002; gnomAD 0.00003.

Submission:

Labcorp Genetics (formerly Invitae), Labcorp
Classification: Uncertain significance. Last evaluated: 2022-07-30. Review status: criteria provided, single submitter. Criteria: Invitae Variant Classification Sherloc (09022015). Collection method: clinical testing. Allele origin: germline.
Comment: This sequence change replaces cysteine, which is neutral and slightly polar, with tyrosine, which is neutral and polar, at codon 195 of the CFD protein (p.Cys195Tyr). This variant is present in population databases (no rsID available, gnomAD 0.006%). This variant has not been reported in the literature in individuals affected with CFD-related conditions. Algorithms developed to predict the effect of missense changes on protein structure and function are either unavailable or do not agree on the potential impact of this missense change (SIFT: "Not Available"; PolyPhen-2: "Probably Damaging"; Align-GVGD: "Not Available"). In summary, the available evidence is currently insufficient to determine the role of this variant in disease. Therefore, it has been classified as a Variant of Uncertain Significance.

NM_001928.4(CFD):c.584G>A (p.Cys195Tyr)

Gene: CFD (complement factor D; plus strand). Cytogenetic location: 19p13.3.
Variant type: single nucleotide variant.
Coding change: c.584G>A on transcript NM_001928.4 (MANE Select); coding-DNA position 584, G replaced by A.
Protein change: p.Cys195Tyr; replaces cysteine 195 with tyrosine.
Molecular consequence: missense variant.
Genome position (GRCh38, 1-based): chr19:861,925, G>A. VCF-style: chr19-861925-G-A. GRCh37 (hg19) VCF-style: chr19-861925-G-A.
Other names: c.605G>A, p.Cys202Tyr (NM_001317335.2); short protein forms C195Y, C202Y.
Identifiers: ClinVar variation 2160186 (VCV002160186.1), dbSNP rs1332157820, ClinGen allele CA402923084.
Genomic context (GRCh38, chr19:861,925, plus strand): 5'-ACCGCGCCACCTGCAACCGGCGCACGCACCACGACGGCGCCATCACCGAGCGCTTGATGT[G>A]CGCGGAGAGCAATCGCCGGGACAGCTGCAAGGTGAGCCTTCAGGCCTGGGAGGAGACGCG-3'
Protein context (NP_001919.2, residues 185-205): HDGAITERLM[Cys195Tyr]AESNRRDSCK